The following is an entry in ClinVar:

NM_000426.4(LAMA2):c.2353T>A (p.Cys785Ser)

Gene: LAMA2 (laminin subunit alpha 2; plus strand). Cytogenetic location: 6q22.33.
Variant type: single nucleotide variant.
Coding change: c.2353T>A on transcript NM_000426.4 (MANE Select); coding-DNA position 2353, T replaced by A.
Protein change: p.Cys785Ser; replaces cysteine 785 with serine.
Molecular consequence: missense variant.
Genome position (GRCh38, 1-based): chr6:129,270,654, T>A. VCF-style: chr6-129270654-T-A. GRCh37 (hg19) VCF-style: chr6-129591799-T-A.
Other names: c.2353T>A, p.Cys785Ser (NM_001079823.2); short protein forms C785S.
Identifiers: ClinVar variation 1714411 (VCV001714411.6), dbSNP rs898398850, ClinGen allele CA365609043.

ClinVar aggregate classification (germline): Uncertain significance (1 of 4 stars; one submission).

Conditions:
LAMA2-related muscular dystrophy (LAMA2-RD). Also called: Laminin alpha 2-related dystrophy. Identifiers: MedGen C5679788, MONDO:0100228.

Submission:

Labcorp Genetics (formerly Invitae), Labcorp
Classification: Uncertain significance for LAMA2-related muscular dystrophy. Last evaluated: 2024-10-24. Review status: criteria provided, single submitter. Criteria: Invitae Variant Classification Sherloc (09022015). Collection method: clinical testing. Allele origin: germline.
Comment: This sequence change replaces cysteine, which is neutral and slightly polar, with serine, which is neutral and polar, at codon 785 of the LAMA2 protein (p.Cys785Ser). This variant is not present in population databases (gnomAD no frequency). This variant has not been reported in the literature in individuals affected with LAMA2-related conditions. ClinVar contains an entry for this variant (Variation ID: 1714411). Invitae Evidence Modeling of protein sequence and biophysical properties (such as structural, functional, and spatial information, amino acid conservation, physicochemical variation, residue mobility, and thermodynamic stability) has been performed for this missense variant. However, the output from this modeling did not meet the statistical confidence thresholds required to predict the impact of this variant on LAMA2 protein function. In summary, the available evidence is currently insufficient to determine the role of this variant in disease. Therefore, it has been classified as a Variant of Uncertain Significance.